The following is an entry in ClinVar:

ClinVar aggregate classification (germline): Likely benign. Review status: criteria provided, multiple submitters, no conflicts (2 of 4 stars). 2 submissions from 2 submitters: Likely benign (2). Last evaluated 2024-02-25.

Conditions:
Nemaline myopathy 2 (NEM2). Also called: Nemaline myopathy 2, autosomal recessive. Identifiers: MedGen C1850569, MONDO:0009725, OMIM 256030.

Submissions (2):

Labcorp Genetics (formerly Invitae), Labcorp
Classification: Likely benign for Nemaline myopathy 2. Last evaluated: 2024-02-25. Review status: criteria provided, single submitter. Criteria: Invitae Variant Classification Sherloc (09022015). Collection method: clinical testing. Allele origin: germline.

CeGaT Center for Human Genetics Tuebingen
Classification: Likely benign. Last evaluated: 2023-02-01. Review status: criteria provided, single submitter. Criteria: CeGaT Center For Human Genetics Tuebingen Variant Classification Criteria Version 2. Collection method: clinical testing. Allele origin: germline. Affected: yes. Observed: 1 variant allele.
Comment: NEB: BP4, BP7

NM_001164508.2(NEB):c.13230C>T (p.Ile4410=)

Gene: NEB (nebulin; minus strand). Cytogenetic location: 2q23.3.
Variant type: single nucleotide variant.
Coding change: c.13230C>T on transcript NM_001164508.2 (MANE Select); coding-DNA position 13230, C replaced by T.
Protein change: p.Ile4410=; no amino-acid change (isoleucine 4410 retained).
Molecular consequence: synonymous variant. On other transcripts: intron variant (1).
Genome position (GRCh38, 1-based): chr2:151,603,602, G>A on the plus strand (C>T on the coding strand, the complement: NEB is on the minus strand). VCF-style: chr2-151603602-G-A. GRCh37 (hg19) VCF-style: chr2-152460116-G-A.
Other names: c.13230C>T, p.Ile4410= (NM_001164507.2, NM_001271208.2); c.11601+6207C>T (NM_004543.5).
Identifiers: ClinVar variation 1150501 (VCV001150501.32), dbSNP rs1488837816, ClinGen allele CA429232114.